The following is an entry in ClinVar:

NM_000785.4(CYP27B1):c.1226C>T (p.Thr409Ile)

Gene: CYP27B1 (cytochrome P450 family 27 subfamily B member 1; minus strand). Cytogenetic location: 12q14.1.
Variant type: single nucleotide variant.
Coding change: c.1226C>T on transcript NM_000785.4 (MANE Select); coding-DNA position 1226, C replaced by T.
Protein change: p.Thr409Ile; replaces threonine 409 with isoleucine.
Molecular consequence: missense variant.
Genome position (GRCh38, 1-based): chr12:57,763,798, G>A on the plus strand (C>T on the coding strand, the complement: CYP27B1 is on the minus strand). VCF-style: chr12-57763798-G-A. GRCh37 (hg19) VCF-style: chr12-58157581-G-A.
Other names: short protein forms T409I.
Identifiers: ClinVar variation 1668 (VCV000001668.18), dbSNP rs118204008, ClinGen allele CA115132.
Genomic context (GRCh38, chr12:57,763,798, plus strand): 5'-CGAAAAGAATTTGGCTCTGGGAACTGGGCAGGGTCCCTTGAAGTGGCATAGTGACACAGA[G>A]TGACCAGCGTCTGGTGCAAAGGAAAACAAACTTGTCAGTTTGGGCTCAGAATAGGGCAGG-3'
Protein context (NP_000776.1, residues 399-419): DYIIPKNTLV[Thr409Ile]LCHYATSRDP

ClinVar aggregate classification (germline): Pathogenic/Likely pathogenic. Review status: criteria provided, multiple submitters, no conflicts (2 of 4 stars). 6 submissions from 6 submitters: Pathogenic (1); Likely pathogenic (3). 2 of the submissions do not count toward it. Last evaluated 2026-01-11.

Conditions:
CYP27B1-related disorder. Also called: CYP27B1-related condition.
Vitamin D-dependent rickets, type 1A. Also called: VITAMIN D HYDROXYLATION-DEFICIENT RICKETS, TYPE 1A; PDDR IA; PSEUDOVITAMIN D-DEFICIENCY RICKETS, TYPE IA. Identifiers: MedGen CN283242, MONDO:0020723, OMIM 264700.
Vitamin D-dependent rickets, type 1 (VDD1). Also called: VITAMIN D DEPENDENCY, TYPE 1. Identifiers: Orphanet 289157, MedGen C0268689, MONDO:0009924.

Allele frequency attached by ClinVar (database versions not stated): gnomAD exomes 0.00004 and 0.00002; gnomAD 0.00004 and 0.00003; ExAC 0.00002; TOPMed 0.00003.
gnomAD v4.1: 16 of 1,614,046 alleles (0.00099%); highest among the groups gnomAD compares: Admixed American, 0.017%; no homozygotes.

Submissions (6):

Labcorp Genetics (formerly Invitae), Labcorp
Classification: Pathogenic. Last evaluated: 2026-01-11. Review status: criteria provided, single submitter. Criteria: Invitae Variant Classification Sherloc (09022015). Collection method: clinical testing. Allele origin: germline.
Comment: This sequence change replaces threonine, which is neutral and polar, with isoleucine, which is neutral and non-polar, at codon 409 of the CYP27B1 protein (p.Thr409Ile). This variant is present in population databases (rs118204008, gnomAD 0.02%). This missense change has been observed in individual(s) with clinical features of vitamin D-dependent rickets (PMID: 9837822, 12050193; internal data). In at least one individual the data is consistent with being in trans (on the opposite chromosome) from a pathogenic variant. It has also been observed to segregate with disease in related individuals. ClinVar contains an entry for this variant (Variation ID: 1668). Invitae Evidence Modeling of protein sequence and biophysical properties (such as structural, functional, and spatial information, amino acid conservation, physicochemical variation, residue mobility, and thermodynamic stability) indicates that this missense variant is not expected to disrupt CYP27B1 protein function with a negative predictive value of 80%. Experimental studies have shown that this missense change affects CYP27B1 function (PMID: 9837822). For these reasons, this variant has been classified as Pathogenic.

Blueprint Genetics
Classification: Likely pathogenic for CYP27B1-related disorders. Last evaluated: 2024-09-24. Review status: criteria provided, single submitter. Criteria: ACMG Guidelines, 2015. Collection method: clinical testing. Allele origin: germline. Affected: yes. Observed: 3 variant alleles.

Fulgent Genetics
Classification: Likely pathogenic for Vitamin D-dependent rickets, type 1A. Last evaluated: 2024-06-11. Review status: criteria provided, single submitter. Criteria: ACMG Guidelines, 2015. Collection method: clinical testing. Allele origin: germline.

Revvity Omics, Revvity
Classification: Likely pathogenic for Vitamin D-dependent rickets, type 1A. Last evaluated: 2020-02-07. Review status: criteria provided, single submitter. Criteria: ACMG Guidelines, 2015. Collection method: clinical testing. Allele origin: germline.

OMIM
Classification: Pathogenic for VITAMIN D HYDROXYLATION-DEFICIENT RICKETS, TYPE 1A. Last evaluated: 2002-06-01. Review status: no assertion criteria provided. Collection method: literature only. Allele origin: germline. Not counted in ClinVar's aggregate classification.

Department of Pediatric Endocrinology, Shriners Hospitals for Children - Mexico City
No classification provided. Condition: Vitamin D-dependent rickets, type 1. Review status: no classification provided. Collection method: phenotyping only. Allele origin: germline. Inheritance: Autosomal recessive inheritance. Affected: yes. Observed: 3 variant alleles. Clinical features observed: Hypophosphatemic rickets. Not counted in ClinVar's aggregate classification.

Literature cited by the submitters: PubMed 9837822 (cited by Labcorp Genetics (formerly Invitae), Labcorp and OMIM); PubMed 12050193 (cited by Labcorp Genetics (formerly Invitae), Labcorp and OMIM).